The following is an entry in ClinVar:

ClinVar aggregate classification (germline): Uncertain significance. Review status: criteria provided, multiple submitters, no conflicts (2 of 4 stars). 2 submissions from 2 submitters: Uncertain significance (2). Last evaluated 2024-10-15.

Conditions:
Propionic acidemia (PROP). Also called: GLYCINEMIA, KETOTIC; HYPERGLYCINEMIA WITH KETOACIDOSIS AND LEUKOPENIA; KETOTIC HYPERGLYCINEMIA. Identifiers: Orphanet 35, MedGen C0268579, MONDO:0011628, OMIM 606054, HP:0003571.

Allele frequency attached by ClinVar (database versions not stated): ExAC 0.00002; gnomAD 0.00002; gnomAD exomes 0.00002; 1000 Genomes Project 0.00020; 1000 Genomes Project 30x 0.00031.
gnomAD v4.1: 25 of 1,614,062 alleles (0.0015%); highest among the groups gnomAD compares: South Asian, 0.026%; no homozygotes.

Submissions (2):

Labcorp Genetics (formerly Invitae), Labcorp
Classification: Uncertain significance for Propionic acidemia. Last evaluated: 2024-10-15. Review status: criteria provided, single submitter. Criteria: Invitae Variant Classification Sherloc (09022015). Collection method: clinical testing. Allele origin: germline.
Comment: This sequence change replaces threonine, which is neutral and polar, with isoleucine, which is neutral and non-polar, at codon 717 of the PCCA protein (p.Thr717Ile). This variant is present in population databases (rs548026367, gnomAD 0.01%). This variant has not been reported in the literature in individuals affected with PCCA-related conditions. ClinVar contains an entry for this variant (Variation ID: 1209646). Invitae Evidence Modeling of protein sequence and biophysical properties (such as structural, functional, and spatial information, amino acid conservation, physicochemical variation, residue mobility, and thermodynamic stability) has been performed for this missense variant. However, the output from this modeling did not meet the statistical confidence thresholds required to predict the impact of this variant on PCCA protein function. In summary, the available evidence is currently insufficient to determine the role of this variant in disease. Therefore, it has been classified as a Variant of Uncertain Significance.

Genome-Nilou Lab
Classification: Uncertain significance for Propionic acidemia. Last evaluated: 2021-07-14. Review status: criteria provided, single submitter. Criteria: ACMG Guidelines, 2015. Collection method: clinical testing. Allele origin: germline. Affected: no.

NM_000282.4(PCCA):c.2150C>T (p.Thr717Ile)

Gene: PCCA (propionyl-CoA carboxylase subunit alpha; plus strand). Cytogenetic location: 13q32.3.
Variant type: single nucleotide variant.
Coding change: c.2150C>T on transcript NM_000282.4 (MANE Select); coding-DNA position 2150, C replaced by T.
Protein change: p.Thr717Ile; replaces threonine 717 with isoleucine.
Molecular consequence: missense variant. On other transcripts: non-coding transcript variant (5).
Genome position (GRCh38, 1-based): chr13:100,530,129, C>T. VCF-style: chr13-100530129-C-T. GRCh37 (hg19) VCF-style: chr13-101182383-C-T.
Other names: c.2072C>T, p.Thr691Ile (NM_001127692.3); c.2009C>T, p.Thr670Ile (NM_001178004.2); c.2096C>T, p.Thr699Ile (NM_001352605.2); c.2006C>T, p.Thr669Ile (NM_001352606.2); c.1931C>T, p.Thr644Ile (NM_001352607.2); c.1928C>T, p.Thr643Ile (NM_001352608.2); c.1205C>T, p.Thr402Ile (NM_001352610.2); c.1151C>T, p.Thr384Ile (NM_001352611.2); and 1 more; short protein forms T354I, T384I, T402I, T643I, T644I, T669I, T670I, T691I.
Identifiers: ClinVar variation 1209646 (VCV001209646.7), dbSNP rs548026367, ClinGen allele CA7033930.
Genomic context (GRCh38, chr13:100,530,129, plus strand): 5'-CCCTCCCCCTGCATTTTTCAAAATTCAAGGTGAAATCTGTGCACTGTCAAGCTGGAGACA[C>T]AGTTGGAGAAGGGGATCTGCTCGTGGAGCTGGAATGAAGGATTTATAACCTTTCAGTCAT-3'
Protein context (NP_000273.2, residues 707-727): VKSVHCQAGD[Thr717Ile]VGEGDLLVEL